The following is an entry in ClinVar:

NM_138420.4(AHNAK2):c.2090C>T (p.Ser697Leu)

Gene: AHNAK2 (AHNAK nucleoprotein 2; minus strand). Cytogenetic location: 14q32.33.
Variant type: single nucleotide variant.
Coding change: c.2090C>T on transcript NM_138420.4 (MANE Select); coding-DNA position 2090, C replaced by T.
Protein change: p.Ser697Leu; replaces serine 697 with leucine.
Molecular consequence: missense variant.
Genome position (GRCh38, 1-based): chr14:104,953,361, G>A on the plus strand (C>T on the coding strand, the complement: AHNAK2 is on the minus strand). VCF-style: chr14-104953361-G-A. GRCh37 (hg19) VCF-style: chr14-105419698-G-A.
Other names: c.1790C>T, p.Ser597Leu (NM_001350929.2); short protein forms S597L, S697L.
Identifiers: ClinVar variation 3025999 (VCV003025999.22), dbSNP rs368803269, ClinGen allele CA7383650.
Genomic context (GRCh38, chr14:104,953,361, plus strand): 5'-TCCCCCTGCATGGAGAGGAGGCTCACGTCGGCCTCCACCTTCGGCGCAGACACATCCACC[G>A]AGGCCTCCATGGACTTGCCTGGGGCTGACGCCCCGAACAATGGCATCTTGAACTTGGGCA-3'
Protein context (NP_612429.2, residues 687-707): ASAPGKSMEA[Ser697Leu]VDVSAPKVEA

ClinVar aggregate classification (germline): Likely benign (1 of 4 stars; one submission).

Allele frequency attached by ClinVar (database versions not stated): gnomAD exomes 0.00005; ExAC 0.00012; ESP Exome Variant Server 0.00016; gnomAD 0.00027; TOPMed 0.00031; 1000 Genomes Project 30x 0.00094; 1000 Genomes Project 0.00100.
gnomAD v4.1: 114 of 1,613,652 alleles (0.0071%); highest among the groups gnomAD compares: African/African-American, 0.083%; 1 homozygote.

Submission:

CeGaT Center for Human Genetics Tuebingen
Classification: Likely benign. Last evaluated: 2023-12-01. Review status: criteria provided, single submitter. Criteria: CeGaT Center For Human Genetics Tuebingen Variant Classification Criteria Version 2. Collection method: clinical testing. Allele origin: germline. Affected: yes. Observed: 1 variant allele.
Comment: AHNAK2: BP4